The following is an entry in ClinVar:

ClinVar aggregate classification (germline): Uncertain significance (1 of 4 stars; one submission).

Conditions:
Spastic paraplegia. Identifiers: MedGen C0037772, HP:0001258.

Allele frequency attached by ClinVar (database versions not stated): gnomAD exomes below 0.00001; TOPMed below 0.00001; gnomAD 0.00002.
gnomAD v4.1: 4 of 1,203,535 alleles (0.00033%); highest among the groups gnomAD compares: East Asian, 0.003%; no homozygotes.

Submission:

Labcorp Genetics (formerly Invitae), Labcorp
Classification: Uncertain significance for Spastic paraplegia. Last evaluated: 2023-09-20. Review status: criteria provided, single submitter. Criteria: Invitae Variant Classification Sherloc (09022015). Collection method: clinical testing. Allele origin: germline.
Comment: This variant has not been reported in the literature in individuals affected with KDM5C-related conditions. This variant is present in population databases (no rsID available, gnomAD 0.1%). This sequence change replaces alanine, which is neutral and non-polar, with threonine, which is neutral and polar, at codon 866 of the KDM5C protein (p.Ala866Thr). Advanced modeling of protein sequence and biophysical properties (such as structural, functional, and spatial information, amino acid conservation, physicochemical variation, residue mobility, and thermodynamic stability) performed at Invitae indicates that this missense variant is not expected to disrupt KDM5C protein function. In summary, the available evidence is currently insufficient to determine the role of this variant in disease. Therefore, it has been classified as a Variant of Uncertain Significance.

NM_004187.5(KDM5C):c.2596G>A (p.Ala866Thr)

Gene: KDM5C (lysine demethylase 5C; minus strand). Cytogenetic location: Xp11.22.
Variant type: single nucleotide variant.
Coding change: c.2596G>A on transcript NM_004187.5 (MANE Select); coding-DNA position 2596, G replaced by A.
Protein change: p.Ala866Thr; replaces alanine 866 with threonine.
Molecular consequence: missense variant. On other transcripts: non-coding transcript variant (3).
Genome position (GRCh38, 1-based): chrX:53,197,797, C>T on the plus strand (G>A on the coding strand, the complement: KDM5C is on the minus strand). VCF-style: chrX-53197797-C-T. GRCh37 (hg19) VCF-style: chrX-53226979-C-T.
Other names: c.2395G>A, p.Ala799Thr (NM_001146702.2); c.2593G>A, p.Ala865Thr (NM_001282622.3, NM_001353979.2, NM_001353982.2); c.2596G>A, p.Ala866Thr (NM_001353978.3, NM_001353981.2, NM_001353984.2); short protein forms A799T, A865T, A866T.
Identifiers: ClinVar variation 2887887 (VCV002887887.3), dbSNP rs868906719, ClinGen allele CA413116405.